The following is an entry in ClinVar:

NM_001478.5(B4GALNT1):c.1541A>G (p.Gln514Arg)

Gene: B4GALNT1 (beta-1,4-N-acetyl-galactosaminyltransferase 1; minus strand). Cytogenetic location: 12q13.3.
Variant type: single nucleotide variant.
Coding change: c.1541A>G on transcript NM_001478.5 (MANE Select); coding-DNA position 1541, A replaced by G.
Protein change: p.Gln514Arg; replaces glutamine 514 with arginine.
Molecular consequence: missense variant.
Genome position (GRCh38, 1-based): chr12:57,626,805, T>C on the plus strand (A>G on the coding strand, the complement: B4GALNT1 is on the minus strand). VCF-style: chr12-57626805-T-C. GRCh37 (hg19) VCF-style: chr12-58020588-T-C.
Other names: c.1376A>G, p.Gln459Arg (NM_001276468.2, NM_001413978.1); c.1709A>G, p.Gln570Arg (NM_001413967.1); c.1676A>G, p.Gln559Arg (NM_001413968.1, NM_001413969.1); c.1574A>G, p.Gln525Arg (NM_001413970.1, NM_001413971.1, NM_001413972.1); c.1541A>G, p.Gln514Arg (NM_001413973.1, NM_001413974.1); c.1442A>G, p.Gln481Arg (NM_001413977.1); c.689A>G, p.Gln230Arg (NM_001413981.1); c.587A>G, p.Gln196Arg (NM_001413982.1); and 1 more; short protein forms Q481R, Q514R, Q570R, Q196R, Q230R, Q525R, Q185R, Q459R.
Identifiers: ClinVar variation 2037088 (VCV002037088.2), dbSNP rs771399251, ClinGen allele CA6655410.

ClinVar aggregate classification (germline): Uncertain significance (1 of 4 stars; one submission).

Conditions:
Spastic paraplegia. Identifiers: MedGen C0037772, HP:0001258.

Allele frequency attached by ClinVar (database versions not stated): ExAC 0.00001; gnomAD exomes 0.00002; gnomAD 0.00003; TOPMed 0.00003.
gnomAD v4.1: 40 of 1,614,130 alleles (0.0025%); highest among the groups gnomAD compares: Non-Finnish European, 0.0032%; no homozygotes.

Submission:

Labcorp Genetics (formerly Invitae), Labcorp
Classification: Uncertain significance for Spastic paraplegia. Last evaluated: 2022-06-13. Review status: criteria provided, single submitter. Criteria: Invitae Variant Classification Sherloc (09022015). Collection method: clinical testing. Allele origin: germline.
Comment: In summary, the available evidence is currently insufficient to determine the role of this variant in disease. Therefore, it has been classified as a Variant of Uncertain Significance. Algorithms developed to predict the effect of missense changes on protein structure and function (SIFT, PolyPhen-2, Align-GVGD) all suggest that this variant is likely to be tolerated. This variant has not been reported in the literature in individuals affected with B4GALNT1-related conditions. This variant is present in population databases (rs771399251, gnomAD 0.003%). This sequence change replaces glutamine, which is neutral and polar, with arginine, which is basic and polar, at codon 514 of the B4GALNT1 protein (p.Gln514Arg).